The following is an entry in ClinVar:

ClinVar aggregate classification (germline): Uncertain significance. Review status: criteria provided, multiple submitters, no conflicts (2 of 4 stars). 2 submissions from 2 submitters: Uncertain significance (2). Last evaluated 2024-11-11.

Allele frequency attached by ClinVar (database versions not stated): gnomAD 0.00002 and 0.00003; gnomAD exomes 0.00002 and 0.00003; ExAC 0.00003; TOPMed 0.00003; 1000 Genomes Project 30x 0.00016; 1000 Genomes Project 0.00020.
gnomAD v4.1: 56 of 1,613,608 alleles (0.0035%); highest among the groups gnomAD compares: Middle Eastern, 0.17%; 1 homozygote.

Submissions (2):

Blueprint Genetics
Classification: Uncertain significance. Last evaluated: 2024-11-11. Review status: criteria provided, single submitter. Criteria: ACMG Guidelines, 2015. Collection method: clinical testing. Allele origin: germline.

Labcorp Genetics (formerly Invitae), Labcorp
Classification: Uncertain significance. Last evaluated: 2021-11-26. Review status: criteria provided, single submitter. Criteria: Invitae Variant Classification Sherloc (09022015). Collection method: clinical testing. Allele origin: germline.
Comment: This sequence change replaces asparagine, which is neutral and polar, with serine, which is neutral and polar, at codon 89 of the AIMP1 protein (p.Asn89Ser). This variant is present in population databases (rs202131629, gnomAD 0.007%). This variant has not been reported in the literature in individuals affected with AIMP1-related conditions. Algorithms developed to predict the effect of missense changes on protein structure and function output the following: SIFT: "Tolerated"; PolyPhen-2: "Benign"; Align-GVGD: "Class C0". The serine amino acid residue is found in multiple mammalian species, which suggests that this missense change does not adversely affect protein function. Algorithms developed to predict the effect of sequence changes on RNA splicing suggest that this variant may create or strengthen a splice site. In summary, the available evidence is currently insufficient to determine the role of this variant in disease. Therefore, it has been classified as a Variant of Uncertain Significance.

NM_001142416.2(AIMP1):c.266A>G (p.Asn89Ser)

Gene: AIMP1 (aminoacyl tRNA synthetase complex interacting multifunctional protein 1; plus strand). Cytogenetic location: 4q24.
Variant type: single nucleotide variant.
Coding change: c.266A>G on transcript NM_001142416.2 (MANE Select); coding-DNA position 266, A replaced by G.
Protein change: p.Asn89Ser; replaces asparagine 89 with serine.
Molecular consequence: missense variant.
Genome position (GRCh38, 1-based): chr4:106,328,118, A>G. VCF-style: chr4-106328118-A-G. GRCh37 (hg19) VCF-style: chr4-107249275-A-G.
Other names: c.266A>G, p.Asn89Ser (NM_001142415.2, NM_004757.4); short protein forms N89S.
Identifiers: ClinVar variation 1420407 (VCV001420407.4), dbSNP rs202131629, ClinGen allele CA3035668.